The following is an entry in ClinVar:

NM_004006.3(DMD):c.5680G>A (p.Asp1894Asn)

Gene: DMD (dystrophin; minus strand). Cytogenetic location: Xp21.1.
Variant type: single nucleotide variant.
Coding change: c.5680G>A on transcript NM_004006.3 (MANE Select); coding-DNA position 5680, G replaced by A.
Protein change: p.Asp1894Asn; replaces aspartic acid 1894 with asparagine.
Molecular consequence: missense variant.
Genome position (GRCh38, 1-based): chrX:32,343,193, C>T on the plus strand (G>A on the coding strand, the complement: DMD is on the minus strand). VCF-style: chrX-32343193-C-T. GRCh37 (hg19) VCF-style: chrX-32361310-C-T.
Other names: c.5656G>A, p.Asp1886Asn (NM_000109.4); c.5668G>A, p.Asp1890Asn (NM_004009.3); c.5311G>A, p.Asp1771Asn (NM_004010.3); c.1657G>A, p.Asp553Asn (NM_004011.4); c.1648G>A, p.Asp550Asn (NM_004012.4); short protein forms D1771N, D1894N, D550N, D1886N, D553N, D1890N.
Identifiers: ClinVar variation 2179613 (VCV002179613.5), dbSNP rs1288134740, ClinGen allele CA412665874.

ClinVar aggregate classification (germline): Uncertain significance. Review status: criteria provided, multiple submitters, no conflicts (2 of 4 stars). 2 submissions from 2 submitters: Uncertain significance (2). Last evaluated 2026-08-31.

Conditions:
Cardiovascular phenotype. Identifiers: MedGen CN230736.
Duchenne muscular dystrophy (DMD). Also called: Duchenne Muscular Dystrophy (DMD); MUSCULAR DYSTROPHY, PSEUDOHYPERTROPHIC PROGRESSIVE, DUCHENNE TYPE. Identifiers: Orphanet 98896, MedGen C0013264, MONDO:0010679, OMIM 310200.

Allele frequency attached by ClinVar (database versions not stated): gnomAD 0.00001.
gnomAD v4.1: 4 of 1,207,837 alleles (0.00033%); highest among the groups gnomAD compares: African/African-American, 0.007%; no homozygotes.

Submissions (2):

Ambry Genetics
Classification: Uncertain significance for Cardiovascular phenotype. Last evaluated: 2026-08-31. Review status: criteria provided, single submitter. Criteria: Ambry Variant Classification Scheme 2023. Collection method: clinical testing. Allele origin: germline.
Comment: The p.D1894N variant (also known as c.5680G>A), located in coding exon 40 of the DMD gene, results from a G to A substitution at nucleotide position 5680. The aspartic acid at codon 1894 is replaced by asparagine, an amino acid with highly similar properties. This amino acid position is conserved. In addition, this alteration is predicted to be tolerated by in silico analysis. Based on the available evidence, the clinical significance of this variant remains unclear.

Labcorp Genetics (formerly Invitae), Labcorp
Classification: Uncertain significance for Duchenne muscular dystrophy. Last evaluated: 2022-11-25. Review status: criteria provided, single submitter. Criteria: Invitae Variant Classification Sherloc (09022015). Collection method: clinical testing. Allele origin: germline.
Comment: This variant has not been reported in the literature in individuals affected with DMD-related conditions. Advanced modeling of protein sequence and biophysical properties (such as structural, functional, and spatial information, amino acid conservation, physicochemical variation, residue mobility, and thermodynamic stability) performed at Invitae indicates that this missense variant is not expected to disrupt DMD protein function. In summary, the available evidence is currently insufficient to determine the role of this variant in disease. Therefore, it has been classified as a Variant of Uncertain Significance. This variant is not present in population databases (gnomAD no frequency). This sequence change replaces aspartic acid, which is acidic and polar, with asparagine, which is neutral and polar, at codon 1894 of the DMD protein (p.Asp1894Asn).